The following is an entry in ClinVar:

NM_012281.3(KCND2):c.536A>G (p.His179Arg)

Gene: KCND2 (potassium voltage-gated channel subfamily D member 2; plus strand). Cytogenetic location: 7q31.31.
Variant type: single nucleotide variant.
Coding change: c.536A>G on transcript NM_012281.3 (MANE Select); coding-DNA position 536, A replaced by G.
Protein change: p.His179Arg; replaces histidine 179 with arginine.
Molecular consequence: missense variant.
Genome position (GRCh38, 1-based): chr7:120,275,168, A>G. VCF-style: chr7-120275168-A-G. GRCh37 (hg19) VCF-style: chr7-119915222-A-G.
Other names: short protein forms H179R.
Identifiers: ClinVar variation 1700743 (VCV001700743.2), dbSNP rs2116243232, ClinGen allele CA369131827.

ClinVar aggregate classification (germline): Uncertain significance (1 of 4 stars; one submission).

Submission:

GeneDx
Classification: Uncertain significance. Last evaluated: 2022-02-14. Review status: criteria provided, single submitter. Criteria: GeneDx Variant Classification Process June 2021. Collection method: clinical testing. Allele origin: germline. Affected: yes.
Comment: Not observed at significant frequency in large population cohorts (gnomAD); In silico analysis supports that this missense variant has a deleterious effect on protein structure/function; Has not been previously published as pathogenic or benign to our knowledge